The following is an entry in ClinVar:

ClinVar aggregate classification (germline): Uncertain significance (1 of 4 stars; one submission).

Submission:

Labcorp Genetics (formerly Invitae), Labcorp
Classification: Uncertain significance. Last evaluated: 2022-10-24. Review status: criteria provided, single submitter. Criteria: Invitae Variant Classification Sherloc (09022015). Collection method: clinical testing. Allele origin: germline.
Comment: This variant results in a copy number gain of the genomic region encompassing exon(s) 25 of the IFT88 gene. While the exact position of this variant cannot be determined from the data, sub-genic copy number gains are generally in tandem (PMID: 25640679). This variant is predicted to be out-of-frame, and may result in an absent or disrupted protein product. However, the current clinical and genetic evidence is not sufficient to establish whether loss-of-function variants in IFT88 cause disease. In summary, the available evidence is currently insufficient to determine the role of this variant in disease. Therefore, it has been classified as a Variant of Uncertain Significance. This variant has not been reported in the literature in individuals affected with IFT88-related conditions.

Literature cited by the submitters: PubMed 25640679.

NC_000013.10:g.(?_21237617)_(21237763_?)dup

Gene: IFT88 (intraflagellar transport 88; plus strand). Cytogenetic location: 13q12.11.
Variant type: Duplication.
Identifiers: ClinVar variation 2427537 (VCV002427537.4).